The following is an entry in ClinVar:

ClinVar aggregate classification (germline): Uncertain significance. Review status: criteria provided, multiple submitters, no conflicts (2 of 4 stars). 3 submissions from 3 submitters: Uncertain significance (3). Last evaluated 2026-07-13.

Conditions:
Dilated cardiomyopathy 1DD (CMD1DD). Identifiers: Orphanet 154, MedGen C2750995, MONDO:0013168, OMIM 613172.
Cardiovascular phenotype. Identifiers: MedGen CN230736.

gnomAD v4.1: 1 of 1,551,696 alleles (0.000064%); highest among the groups gnomAD compares: Admixed American, 0.002%; no homozygotes.

Submissions (3):

Ambry Genetics
Classification: Uncertain significance for Cardiovascular phenotype. Last evaluated: 2026-07-13. Review status: criteria provided, single submitter. Criteria: Ambry Variant Classification Scheme 2023. Collection method: clinical testing. Allele origin: germline.

GeneDx
Classification: Uncertain significance. Last evaluated: 2025-06-02. Review status: criteria provided, single submitter. Criteria: GeneDx Variant Classification Process June 2021. Collection method: clinical testing. Allele origin: germline. Affected: yes.
Comment: Not observed at significant frequency in large population cohorts (gnomAD); In silico analysis supports that this missense variant has a deleterious effect on protein structure/function; Has not been previously published as pathogenic or benign to our knowledge

Labcorp Genetics (formerly Invitae), Labcorp
Classification: Uncertain significance for Dilated cardiomyopathy 1DD. Last evaluated: 2023-03-07. Review status: criteria provided, single submitter. Criteria: Invitae Variant Classification Sherloc (09022015). Collection method: clinical testing. Allele origin: germline.
Comment: This sequence change replaces glutamic acid, which is acidic and polar, with aspartic acid, which is acidic and polar, at codon 532 of the RBM20 protein (p.Glu532Asp). This variant is not present in population databases (gnomAD no frequency). This variant has not been reported in the literature in individuals affected with RBM20-related conditions. Advanced modeling of protein sequence and biophysical properties (such as structural, functional, and spatial information, amino acid conservation, physicochemical variation, residue mobility, and thermodynamic stability) performed at Invitae indicates that this missense variant is not expected to disrupt RBM20 protein function. In summary, the available evidence is currently insufficient to determine the role of this variant in disease. Therefore, it has been classified as a Variant of Uncertain Significance.

NM_001134363.3(RBM20):c.1596G>T (p.Glu532Asp)

Gene: RBM20 (RNA binding motif protein 20; plus strand). Cytogenetic location: 10q25.2.
Variant type: single nucleotide variant.
Coding change: c.1596G>T on transcript NM_001134363.3 (MANE Select); coding-DNA position 1596, G replaced by T.
Protein change: p.Glu532Asp; replaces glutamic acid 532 with aspartic acid.
Molecular consequence: missense variant.
Genome position (GRCh38, 1-based): chr10:110,797,576, G>T. VCF-style: chr10-110797576-G-T. GRCh37 (hg19) VCF-style: chr10-112557334-G-T.
Other names: short protein forms E532D.
Identifiers: ClinVar variation 3022289 (VCV003022289.5), dbSNP rs2493444774, ClinGen allele CA378390080.